The following is an entry in ClinVar:

NM_003242.6(TGFBR2):c.207C>T (p.Ser69=)

Gene: TGFBR2 (transforming growth factor beta receptor 2; plus strand). Cytogenetic location: 3p24.1.
Variant type: single nucleotide variant.
Coding change: c.207C>T on transcript NM_003242.6 (MANE Select); coding-DNA position 207, C replaced by T.
Protein change: p.Ser69=; no amino-acid change (serine 69 retained).
Molecular consequence: synonymous variant. On other transcripts: intron variant (2).
Genome position (GRCh38, 1-based): chr3:30,644,859, C>T. VCF-style: chr3-30644859-C-T. GRCh37 (hg19) VCF-style: chr3-30686351-C-T.
Other names: c.282C>T, p.Ser94= (NM_001024847.3, NM_001407126.1, NM_001407139.1); c.207C>T, p.Ser69= (NM_001407127.1, NM_001407130.1); c.234C>T, p.Ser78= (NM_001407128.1); c.102C>T, p.Ser34= (NM_001407129.1, NM_001407132.1, NM_001407133.1 and 3 more transcripts); c.169+21586C>T (NM_001407137.1); c.95-26779C>T (NM_001407138.1).
Identifiers: ClinVar variation 629708 (VCV000629708.4), dbSNP rs1559456575, ClinGen allele CA432917343.

ClinVar aggregate classification (germline): Likely benign. Review status: criteria provided, multiple submitters, no conflicts (2 of 4 stars). 2 submissions from 2 submitters: Likely benign (2). Last evaluated 2018-10-17.

Conditions:
Familial thoracic aortic aneurysm and aortic dissection (TAAD). Also called: Thoracic aortic aneurysms and dissections. Identifiers: Orphanet 91387, MedGen C4707243, MONDO:0019625.
Diabetic retinopathy. Identifiers: MedGen C0011884, MONDO:0005266.

Submissions (2):

Color Diagnostics, LLC DBA Color Health
Classification: Likely benign for Familial thoracic aortic aneurysm and aortic dissection. Last evaluated: 2018-10-17. Review status: criteria provided, single submitter. Criteria: ACMG Guidelines, 2015. Collection method: clinical testing. Allele origin: germline.

Clinical Genomics, Uppaluri K&H Personalized Medicine Clinic
Classification: Likely benign for Diabetic retinopathy. Review status: criteria provided, single submitter. Criteria: K And H Uppaluri Personalized Medicine Clinic Variant Classification And Assertion Criteria Updated V 2. Collection method: research. Allele origin: unknown.
Comment: Potent mutations in TGFBR2 gene encodes the transforming growth factor that have been associated with angiogenesis and diabetic retinopathy. More clinical studies are needed for stronger association. However, more evidence is required to confer the association of this particular variant rs1559456575 with diabetic retinopathy.

Literature cited by the submitters: PubMed 30222965 (cited by Clinical Genomics, Uppaluri K&H Personalized Medicine Clinic); PubMed 28162229 (cited by Clinical Genomics, Uppaluri K&H Personalized Medicine Clinic); PubMed 34572573 (cited by Clinical Genomics, Uppaluri K&H Personalized Medicine Clinic).